The following is an entry in ClinVar:

NM_001458.5(FLNC):c.6278A>C (p.Asp2093Ala)

Genes: FLNC (filamin C; plus strand), FLNC-AS1 (FLNC antisense RNA 1; minus strand). Cytogenetic location: 7q32.1.
Variant type: single nucleotide variant.
Coding change: c.6278A>C on transcript NM_001458.5 (MANE Select); coding-DNA position 6278, A replaced by C.
Protein change: p.Asp2093Ala; replaces aspartic acid 2093 with alanine.
Molecular consequence: missense variant.
Genome position (GRCh38, 1-based): chr7:128,853,538, A>C. VCF-style: chr7-128853538-A-C. GRCh37 (hg19) VCF-style: chr7-128493592-A-C.
Other names: c.6179A>C, p.Asp2060Ala (NM_001127487.2); short protein forms D2093A, D2060A.
Identifiers: ClinVar variation 569971 (VCV000569971.12), dbSNP rs749292393, ClinGen allele CA4475929.

ClinVar aggregate classification (germline): Uncertain significance. Review status: criteria provided, multiple submitters, no conflicts (2 of 4 stars). 3 submissions from 3 submitters: Uncertain significance (3). Last evaluated 2025-05-02.

Conditions:
Distal myopathy with posterior leg and anterior hand involvement. Also called: WILLIAMS DISTAL MYOPATHY. Identifiers: Orphanet 63273, MedGen C3279722, MONDO:0013550, OMIM 614065.
Myofibrillar myopathy 5. Also called: Filaminopathy (type); FILAMINOPATHY, AUTOSOMAL DOMINANT. Identifiers: Orphanet 171445, MedGen C1836050, MONDO:0012289, OMIM 609524.
Hypertrophic cardiomyopathy 26. Also called: Cardiomyopathy, familial hypertrophic, 26. Identifiers: Orphanet 75249, MedGen C4310749, MONDO:0014883, OMIM 617047.
Cardiovascular phenotype. Identifiers: MedGen CN230736.

Allele frequency attached by ClinVar (database versions not stated): gnomAD exomes below 0.00001; ExAC 0.00001.
gnomAD v4.1: 1 of 1,614,084 alleles (0.000062%); highest among the groups gnomAD compares: Non-Finnish European, 0.000085%; no homozygotes.

Submissions (3):

Ambry Genetics
Classification: Uncertain significance for Cardiovascular phenotype. Last evaluated: 2025-05-02. Review status: criteria provided, single submitter. Criteria: Ambry Variant Classification Scheme 2023. Collection method: clinical testing. Allele origin: germline.
Comment: The p.D2093A variant (also known as c.6278A>C), located in coding exon 38 of the FLNC gene, results from an A to C substitution at nucleotide position 6278. The aspartic acid at codon 2093 is replaced by alanine, an amino acid with dissimilar properties. This amino acid position is conserved. In addition, this alteration is predicted to be deleterious by in silico analysis. Based on the available evidence, the clinical significance of this variant remains unclear.

Labcorp Genetics (formerly Invitae), Labcorp
Classification: Uncertain significance for Distal myopathy with posterior leg and anterior hand involvement; Myofibrillar myopathy 5; Hypertrophic cardiomyopathy 26. Last evaluated: 2023-11-13. Review status: criteria provided, single submitter. Criteria: Invitae Variant Classification Sherloc (09022015). Collection method: clinical testing. Allele origin: germline.
Comment: This sequence change replaces aspartic acid, which is acidic and polar, with alanine, which is neutral and non-polar, at codon 2093 of the FLNC protein (p.Asp2093Ala). This variant is not present in population databases (gnomAD no frequency). This variant has not been reported in the literature in individuals affected with FLNC-related conditions. ClinVar contains an entry for this variant (Variation ID: 569971). Advanced modeling of protein sequence and biophysical properties (such as structural, functional, and spatial information, amino acid conservation, physicochemical variation, residue mobility, and thermodynamic stability) has been performed at Invitae for this missense variant, however the output from this modeling did not meet the statistical confidence thresholds required to predict the impact of this variant on FLNC protein function. In summary, the available evidence is currently insufficient to determine the role of this variant in disease. Therefore, it has been classified as a Variant of Uncertain Significance.

Revvity Omics, Revvity
Classification: Uncertain significance. Last evaluated: 2022-05-26. Review status: criteria provided, single submitter. Criteria: ACMG Guidelines, 2015. Collection method: clinical testing. Allele origin: germline.